The following is an entry in ClinVar:

ClinVar aggregate classification (germline): Uncertain significance (1 of 4 stars; one submission).

Submission:

CeGaT Center for Human Genetics Tuebingen
Classification: Uncertain significance. Last evaluated: 2024-02-01. Review status: criteria provided, single submitter. Criteria: CeGaT Center For Human Genetics Tuebingen Variant Classification Criteria Version 2. Collection method: clinical testing. Allele origin: germline. Affected: yes. Observed: 1 variant allele.
Comment: CAMTA1: PM2

NM_015215.4(CAMTA1):c.883G>A (p.Gly295Arg)

Gene: CAMTA1 (calmodulin binding transcription activator 1; plus strand). Cytogenetic location: 1p36.23.
Variant type: single nucleotide variant.
Coding change: c.883G>A on transcript NM_015215.4 (MANE Select); coding-DNA position 883, G replaced by A.
Protein change: p.Gly295Arg; replaces glycine 295 with arginine.
Molecular consequence: missense variant.
Genome position (GRCh38, 1-based): chr1:7,663,430, G>A. VCF-style: chr1-7663430-G-A. GRCh37 (hg19) VCF-style: chr1-7723490-G-A.
Other names: c.793G>A, p.Gly265Arg (NM_001349608.2, NM_001349612.2); c.883G>A, p.Gly295Arg (NM_001349609.2, NM_001349610.2, NM_001410737.1); c.811G>A, p.Gly271Arg (NM_001410738.1); short protein forms G265R, G271R, G295R.
Identifiers: ClinVar variation 3027227 (VCV003027227.22), dbSNP rs754686062, ClinGen allele CA338121732.